The following is an entry in ClinVar:

NM_000744.7(CHRNA4):c.1758+4A>G

Gene: CHRNA4 (cholinergic receptor nicotinic alpha 4 subunit; minus strand). Cytogenetic location: 20q13.33.
Variant type: single nucleotide variant.
Coding change: c.1758+4A>G on transcript NM_000744.7 (MANE Select); 4 bases into the intron after coding-DNA position 1758, A replaced by G.
Molecular consequence: intron variant.
Genome position (GRCh38, 1-based): chr20:63,349,649, T>C on the plus strand (A>G on the coding strand, the complement: CHRNA4 is on the minus strand). VCF-style: chr20-63349649-T-C. GRCh37 (hg19) VCF-style: chr20-61981001-T-C.
Other names: c.1230+4A>G (NM_001256573.2).
Identifiers: ClinVar variation 3662237 (VCV003662237.2).

ClinVar aggregate classification (germline): Uncertain significance (1 of 4 stars; one submission).

Conditions:
Familial sleep-related hypermotor epilepsy. Also called: Autosomal Dominant Sleep-Related Hypermotor (Hyperkinetic) Epilepsy. Identifiers: Orphanet 98784, MedGen C3696898, MONDO:0000030.

Submission:

Labcorp Genetics (formerly Invitae), Labcorp
Classification: Uncertain significance. Last evaluated: 2024-08-13. Review status: criteria provided, single submitter. Criteria: Invitae Variant Classification Sherloc (09022015). Collection method: clinical testing. Allele origin: germline.
Comment: This sequence change falls in intron 5 of the CHRNA4 gene. It does not directly change the encoded amino acid sequence of the CHRNA4 protein. It affects a nucleotide within the consensus splice site. This variant is not present in population databases (gnomAD no frequency). This variant has not been reported in the literature in individuals affected with CHRNA4-related conditions. Variants that disrupt the consensus splice site are a relatively common cause of aberrant splicing (PMID: 17576681, 9536098). Algorithms developed to predict the effect of sequence changes on RNA splicing suggest that this variant is not likely to affect RNA splicing. In summary, the available evidence is currently insufficient to determine the role of this variant in disease. Therefore, it has been classified as a Variant of Uncertain Significance.

Literature cited by the submitters: PubMed 17576681; PubMed 9536098.